The following is an entry in ClinVar:

ClinVar aggregate classification (germline): Conflicting classifications of pathogenicity. Review status: criteria provided, conflicting classifications (1 of 4 stars). 9 submissions from 9 submitters: Uncertain significance (3); Likely benign (5). 1 of the submissions does not count toward it. Last evaluated 2025-11-26.

Conditions:
TSC1-related disorder. Also called: TSC1-related condition.
Hereditary cancer-predisposing syndrome. Also called: Neoplastic Syndromes, Hereditary; Hereditary Cancer Syndrome; Hereditary neoplastic syndrome; Tumor predisposition. Identifiers: Orphanet 140162, MedGen C0027672, MeSH D009386, MONDO:0015356.
Lymphangiomyomatosis (LAM). Also called: Lymphangioleiomyomatosis, somatic; Lymphangioleiomyomatosis. Identifiers: Orphanet 538, MedGen C0751674, MONDO:0011705, OMIM 606690.
Tuberous sclerosis 1 (TSC1). Identifiers: Orphanet 805, MedGen C1854465, MONDO:0008612, OMIM 191100.
Isolated focal cortical dysplasia type II (FCORD2). Also called: Focal cortical dysplasia type II; CORTICAL DYSPLASIA OF TAYLOR. Identifiers: Orphanet 268994, MedGen C1846385, MONDO:0011818, OMIM 607341, HP:0032051.

Allele frequency attached by ClinVar (database versions not stated): ExAC 0.00001; gnomAD exomes 0.00001 and 0.00002; gnomAD 0.00002; TOPMed 0.00002.

Submissions (9):

Clinical Genomics Laboratory, Washington University in St. Louis
Classification: Uncertain significance for Tuberous sclerosis 1. Last evaluated: 2025-11-26. Review status: criteria provided, single submitter. Criteria: ACMG Guidelines, 2015. Collection method: clinical testing. Allele origin: germline.
Comment: A TSC1 c.340C>T (p.Pro114Ser) variant was identified at a near heterozygous allelic fraction of 47.2%, a frequency which may be consistent with it being of germline origin. This variant, to our knowledge, has not been reported in the medical literature. It has been reported in the ClinVar database as a germline likely benign variant by several submitters and a variant of uncertain significance by two submitters (Variation ID: 448716). This variant is only observed on 12/1,614,078 alleles in the general population (gnomAD v4.1.0), indicating it is not a common variant. Computational predictors suggest that the variant does not impact TSC1 function. Due to limited information, and based on ACMG/AMP guidelines for variant interpretation (Richards S et al., PMID: 25741868), the clinical significance of this variant is uncertain at this time.

Labcorp Genetics (formerly Invitae), Labcorp
Classification: Likely benign for Tuberous sclerosis 1. Last evaluated: 2025-11-05. Review status: criteria provided, single submitter. Criteria: Invitae Variant Classification Sherloc (09022015). Collection method: clinical testing. Allele origin: germline.

Ambry Genetics
Classification: Likely benign for Hereditary cancer-predisposing syndrome. Last evaluated: 2024-10-18. Review status: criteria provided, single submitter. Criteria: Ambry Variant Classification Scheme 2023. Collection method: clinical testing. Allele origin: germline.

Fulgent Genetics
Classification: Uncertain significance for Tuberous sclerosis 1; Lymphangiomyomatosis; Isolated focal cortical dysplasia type II. Last evaluated: 2024-02-20. Review status: criteria provided, single submitter. Criteria: ACMG Guidelines, 2015. Collection method: clinical testing. Allele origin: germline.

Blueprint Genetics
Classification: Likely benign. Last evaluated: 2023-12-06. Review status: criteria provided, single submitter. Criteria: ACMG Guidelines, 2015. Collection method: clinical testing. Allele origin: germline.

Genome-Nilou Lab
Classification: Likely benign for Tuberous sclerosis 1. Last evaluated: 2021-11-07. Review status: criteria provided, single submitter. Criteria: ACMG Guidelines, 2015. Collection method: clinical testing. Allele origin: germline. Affected: no.

GeneDx
Classification: Likely benign. Last evaluated: 2017-12-01. Review status: criteria provided, single submitter. Criteria: GeneDx Variant Classification (06012015). Collection method: clinical testing. Allele origin: germline. Affected: yes.
Comment: This variant is considered likely benign or benign based on one or more of the following criteria: it is a conservative change, it occurs at a poorly conserved position in the protein, it is predicted to be benign by multiple in silico algorithms, and/or has population frequency not consistent with disease.

Athena Diagnostics
Classification: Uncertain significance. Last evaluated: 2016-12-01. Review status: criteria provided, single submitter. Criteria: Athena Diagnostics Criteria. Collection method: clinical testing. Allele origin: germline.

PreventionGenetics, part of Exact Sciences
Classification: Likely benign for TSC1-related condition. Last evaluated: 2024-08-24. Review status: no assertion criteria provided. Collection method: clinical testing. Allele origin: germline. Not counted in ClinVar's aggregate classification.
Comment: This variant is classified as likely benign based on ACMG/AMP sequence variant interpretation guidelines (Richards et al. 2015 PMID: 25741868, with internal and published modifications).

NM_000368.5(TSC1):c.340C>T (p.Pro114Ser)

Gene: TSC1 (TSC complex subunit 1; minus strand). Cytogenetic location: 9q34.13.
Variant type: single nucleotide variant.
Coding change: c.340C>T on transcript NM_000368.5 (MANE Select); coding-DNA position 340, C replaced by T.
Protein change: p.Pro114Ser; replaces proline 114 with serine.
Molecular consequence: missense variant. On other transcripts: 5 prime UTR variant (1), intron variant (1).
Genome position (GRCh38, 1-based): chr9:132,925,610, G>A on the plus strand (C>T on the coding strand, the complement: TSC1 is on the minus strand). VCF-style: chr9-132925610-G-A. GRCh37 (hg19) VCF-style: chr9-135800997-G-A.
Other names: c.340C>T, p.Pro114Ser (NM_001162426.2); c.-24C>T (NM_001362177.2); c.210+1591C>T (NM_001162427.2); short protein forms P114S.
Identifiers: ClinVar variation 448716 (VCV000448716.23), dbSNP rs779395169, ClinGen allele CA036801.